The following is an entry in ClinVar:

ClinVar aggregate classification (germline): Uncertain significance (1 of 4 stars; one submission).

Conditions:
Neurooculocardiogenitourinary syndrome. Identifiers: Orphanet 684305, MedGen C5231443, MONDO:0032850, OMIM 618652.

Submission:

Victorian Clinical Genetics Services, Murdoch Childrens Research Institute
Classification: Uncertain significance for Neurooculocardiogenitourinary syndrome. Last evaluated: 2022-09-02. Review status: criteria provided, single submitter. Criteria: ACMG Guidelines, 2015. Collection method: clinical testing. Allele origin: germline. Inheritance: Autosomal dominant inheritance. Affected: yes.
Comment: A heterozygous missense variant was identified, NM_014023.3(WDR37):c.850G>T in exon 10 of 14 of the WDR37 gene. This substitution is predicted to create a minor amino acid change from a valine to a phenylalanine at position 284 of the protein; NP_054742.2(WDR37):p.(Val284Phe). The valine at this position has high conservation (100 vertebrates, UCSC), and is located within the WD40 domain (NCBI). In silico software predicts this variant to be damaging (PolyPhen2, PROVEAN, Mutation Assessor). The variant is not present in the gnomAD population database. This variant has not previously been reported in clinical cases. Based on information available at the time of curation, this variant has been classified as a VUS.

NM_014023.4(WDR37):c.850G>T (p.Val284Phe)

Gene: WDR37 (WD repeat domain 37; plus strand). Cytogenetic location: 10p15.3.
Variant type: single nucleotide variant.
Coding change: c.850G>T on transcript NM_014023.4 (MANE Select); coding-DNA position 850, G replaced by T.
Protein change: p.Val284Phe; replaces valine 284 with phenylalanine.
Molecular consequence: missense variant.
Genome position (GRCh38, 1-based): chr10:1,103,725, G>T. VCF-style: chr10-1103725-G-T. GRCh37 (hg19) VCF-style: chr10-1149665-G-T.
Other names: short protein forms V284F.
Identifiers: ClinVar variation 1699001 (VCV001699001.3), dbSNP rs2131662062, ClinGen allele CA375854786.
Genomic context (GRCh38, chr10:1,103,725, plus strand): 5'-TCCAGCGACTGCCCCACCATCCGCGTCCCACTGACATCCCTCAAGAGCCACCAGGGCGTG[G>T]TCATCGCCTCCGACTGGCTGGTTGGGGGGAAGCAGGCTGTGACTGCCTCCTGGGACCGGA-3'
Protein context (NP_054742.2, residues 274-294): LTSLKSHQGV[Val284Phe]IASDWLVGGK